The following is an entry in ClinVar:

NM_000553.6(WRN):c.2733-1G>A

Gene: WRN (WRN RecQ like helicase; plus strand). Cytogenetic location: 8p12.
Variant type: single nucleotide variant.
Coding change: c.2733-1G>A on transcript NM_000553.6 (MANE Select); the canonical splice acceptor site of the intron before coding-DNA position 2733, G replaced by A.
Molecular consequence: splice acceptor variant.
Genome position (GRCh38, 1-based): chr8:31,124,907, G>A. VCF-style: chr8-31124907-G-A. GRCh37 (hg19) VCF-style: chr8-30982423-G-A.
Identifiers: ClinVar variation 1496311 (VCV001496311.8), dbSNP rs754056304, ClinGen allele CA4704841.

ClinVar aggregate classification (germline): Likely pathogenic (1 of 4 stars; one submission).

Conditions:
Werner syndrome (WRN). Identifiers: Orphanet 902, MedGen C0043119, MONDO:0010196, OMIM 277700.

Allele frequency attached by ClinVar (database versions not stated): gnomAD exomes below 0.00001; ExAC 0.00001.
gnomAD v4.1: 1 of 1,612,506 alleles (0.000062%); highest among the groups gnomAD compares: Non-Finnish European, 0.000085%; no homozygotes.

Submission:

Labcorp Genetics (formerly Invitae), Labcorp
Classification: Likely pathogenic for Werner syndrome. Last evaluated: 2020-12-15. Review status: criteria provided, single submitter. Criteria: Invitae Variant Classification Sherloc (09022015). Collection method: clinical testing. Allele origin: germline.
Comment: In summary, the currently available evidence indicates that the variant is pathogenic, but additional data are needed to prove that conclusively. Therefore, this variant has been classified as Likely Pathogenic. Algorithms developed to predict the effect of sequence changes on RNA splicing suggest that this variant may disrupt the consensus splice site, but this prediction has not been confirmed by published transcriptional studies. This variant has not been reported in the literature in individuals with WRN-related conditions. This variant is present in population databases (rs754056304, ExAC 0.002%). This sequence change affects an acceptor splice site in intron 22 of the WRN gene. It is expected to disrupt RNA splicing. Variants that disrupt the donor or acceptor splice site typically lead to a loss of protein function (PMID: 16199547), and loss-of-function variants in WRN are known to be pathogenic (PMID: 16673358).

Literature cited by the submitters: PubMed 16199547; PubMed 16673358.